The following is an entry in ClinVar:

NM_006514.4(SCN10A):c.1518T>C (p.His506=)

Gene: SCN10A (sodium voltage-gated channel alpha subunit 10; minus strand). Cytogenetic location: 3p22.2.
Variant type: single nucleotide variant.
Coding change: c.1518T>C on transcript NM_006514.4 (MANE Select); coding-DNA position 1518, T replaced by C.
Protein change: p.His506=; no amino-acid change (histidine 506 retained).
Molecular consequence: synonymous variant. On other transcripts: intron variant (1).
Genome position (GRCh38, 1-based): chr3:38,752,456, A>G on the plus strand (T>C on the coding strand, the complement: SCN10A is on the minus strand). VCF-style: chr3-38752456-A-G. GRCh37 (hg19) VCF-style: chr3-38793947-A-G.
Other names: c.1518T>C, p.His506= (NM_001293306.2); c.1462-2272T>C (NM_001293307.2).
Identifiers: ClinVar variation 517678 (VCV000517678.10), dbSNP rs1553620505, ClinGen allele CA433334736.

ClinVar aggregate classification (germline): Likely benign. Review status: criteria provided, multiple submitters, no conflicts (2 of 4 stars). 3 submissions from 3 submitters: Likely benign (3). Last evaluated 2021-03-23.

Conditions:
Brugada syndrome. Also called: Sudden unexpected nocturnal death syndrome; Sudden unexplained nocturnal death syndrome; Sudden Unexplained Death Syndrome; Sudden Unexplained Nocturnal Death Syndrome (SUNDS). Identifiers: Orphanet 130, MedGen C1142166, MONDO:0015263.
Cardiovascular phenotype. Identifiers: MedGen CN230736.

Allele frequency attached by ClinVar (database versions not stated): gnomAD exomes below 0.00001.

Submissions (3):

Labcorp Genetics (formerly Invitae), Labcorp
Classification: Likely benign for Brugada syndrome. Last evaluated: 2021-03-23. Review status: criteria provided, single submitter. Criteria: Invitae Variant Classification Sherloc (09022015). Collection method: clinical testing. Allele origin: germline.

Ambry Genetics
Classification: Likely benign for Cardiovascular phenotype. Last evaluated: 2019-07-11. Review status: criteria provided, single submitter. Criteria: Ambry Variant Classification Scheme 2023. Collection method: clinical testing. Allele origin: germline.

GeneDx
Classification: Likely benign. Last evaluated: 2017-01-18. Review status: criteria provided, single submitter. Criteria: GeneDx Variant Classification (06012015). Collection method: clinical testing. Allele origin: germline. Affected: yes.
Comment: This variant is considered likely benign or benign based on one or more of the following criteria: it is a conservative change, it occurs at a poorly conserved position in the protein, it is predicted to be benign by multiple in silico algorithms, and/or has population frequency not consistent with disease.